The following is an entry in ClinVar:

ClinVar aggregate classification (germline): Likely benign (1 of 4 stars; one submission).

Conditions:
MKS1-related disorder. Also called: MKS1-related disorders; MKS1-related condition. Identifiers: MedGen CN239382.

Submission:

PreventionGenetics, part of Exact Sciences
Classification: Likely benign for MKS1-related condition. Last evaluated: 2025-01-18. Review status: criteria provided, single submitter. Criteria: ACMG Guidelines, 2015. Collection method: clinical testing. Allele origin: germline.
Comment: This variant is classified as likely benign based on ACMG/AMP sequence variant interpretation guidelines (Richards et al. 2015 PMID: 25741868, with internal and published modifications).

NC_000017.11:g.58219512C>T

Gene: MKS1 (MKS transition zone complex subunit 1; minus strand). Cytogenetic location: 17q22.
Variant type: single nucleotide variant.
Genome position: GRCh38 VCF-style: chr17-58219512-C-T. GRCh37 (hg19) VCF-style: chr17-56296873-C-T.
Other names: NM_001165927.1:c.-1G>A.
Identifiers: ClinVar variation 4997240 (VCV004997240.1).